The following is an entry in ClinVar:

ClinVar aggregate classification (germline): Uncertain significance (1 of 4 stars; one submission).

Submission:

GeneDx
Classification: Uncertain significance. Last evaluated: 2026-03-13. Review status: criteria provided, single submitter. Criteria: GeneDx Variant Classification Process June 2021. Collection method: clinical testing. Allele origin: germline.
Comment: Not observed at significant frequency in large population cohorts (gnomAD); In silico analysis supports that this missense variant has a deleterious effect on protein structure/function; Has not been previously published as pathogenic or benign to our knowledge

NM_015021.3(ZNF292):c.5840T>C (p.Phe1947Ser)

Gene: ZNF292 (zinc finger protein 292; plus strand). Cytogenetic location: 6q14.3.
Variant type: single nucleotide variant.
Coding change: c.5840T>C on transcript NM_015021.3 (MANE Select); coding-DNA position 5840, T replaced by C.
Protein change: p.Phe1947Ser; replaces phenylalanine 1947 with serine.
Molecular consequence: missense variant.
Genome position (GRCh38, 1-based): chr6:87,259,469, T>C. VCF-style: chr6-87259469-T-C. GRCh37 (hg19) VCF-style: chr6-87969187-T-C.
Other names: c.5420T>C, p.Phe1807Ser (NM_001351444.2); short protein forms F1807S, F1947S.
Identifiers: ClinVar variation 5009183 (VCV005009183.1).